The following is an entry in ClinVar:

ClinVar aggregate classification (germline): Conflicting classifications of pathogenicity. Review status: criteria provided, conflicting classifications (1 of 4 stars). 4 submissions from 4 submitters: Likely pathogenic (1); Uncertain significance (3). Last evaluated 2022-05-10.

Conditions:
ENG-related disorder. Also called: ENG-related condition; ENG-related disorders.
Telangiectasia, hereditary hemorrhagic, type 1 (HHT1). Also called: Osler Weber Rendu syndrome type 1; ENG-Related Hereditary Hemorrhagic Telangiectasia. Identifiers: Orphanet 774, MedGen C4551861, MONDO:0008535, OMIM 187300. Disease mechanism: loss of function.
Hereditary hemorrhagic telangiectasia (HHT). Also called: ORW DISEASE; Osler Weber Rendu syndrome; OSLER-RENDU-WEBER DISEASE; Osler hemorrhagic telangiectasia syndrome. Identifiers: Orphanet 774, MedGen C0039445, MONDO:0019180. Disease mechanism: loss of function.

Submissions (4):

Mayo Clinic Laboratories, Mayo Clinic
Classification: Uncertain significance. Last evaluated: 2022-05-10. Review status: criteria provided, single submitter. Criteria: ACMG Guidelines, 2015. Collection method: clinical testing. Allele origin: germline. Observed: 1 variant allele.
Comment: PM2_supporting, PS4_moderate

Labcorp Genetics (formerly Invitae), Labcorp
Classification: Uncertain significance for Hereditary hemorrhagic telangiectasia. Last evaluated: 2019-11-25. Review status: criteria provided, single submitter. Criteria: Invitae Variant Classification Sherloc (09022015). Collection method: clinical testing. Allele origin: germline.
Comment: This sequence change replaces glutamine with proline at codon 166 of the ENG protein (p.Gln166Pro). The glutamine residue is moderately conserved and there is a moderate physicochemical difference between glutamine and proline. This variant is not present in population databases (ExAC no frequency). This variant has been observed in an individual with clinical features of hereditary hemorrhagic telangiectasia (PMID: 24196379). Algorithms developed to predict the effect of missense changes on protein structure and function are either unavailable or do not agree on the potential impact of this missense change (SIFT: "Deleterious"; PolyPhen-2: "Possibly Damaging"; Align-GVGD: "Class C0"). In summary, the available evidence is currently insufficient to determine the role of this variant in disease. Therefore, it has been classified as a Variant of Uncertain Significance.

Blueprint Genetics
Classification: Likely pathogenic for ENG-related disorders. Last evaluated: 2019-02-11. Review status: criteria provided, single submitter. Criteria: ACMG Guidelines, 2015. Collection method: clinical testing. Allele origin: germline. Affected: yes. Observed: 1 variant allele.

NIHR Bioresource Rare Diseases, University of Cambridge
Classification: Uncertain significance for Telangiectasia, hereditary hemorrhagic, type 1. Last evaluated: 2018-01-01. Review status: criteria provided, single submitter. Criteria: ACMG Guidelines, 2015. Collection method: research. Allele origin: unknown. Affected: yes. Observed: 1 variant allele.
Comment: PM2+PP4+PP3

Literature cited by the submitters: PubMed 24196379 (cited by Labcorp Genetics (formerly Invitae), Labcorp); PubMed 32573726 (cited by NIHR Bioresource Rare Diseases, University of Cambridge).

NM_001114753.3(ENG):c.497A>C (p.Gln166Pro)

Gene: ENG (endoglin; minus strand). Cytogenetic location: 9q34.11.
Variant type: single nucleotide variant.
Coding change: c.497A>C on transcript NM_001114753.3 (MANE Select); coding-DNA position 497, A replaced by C.
Protein change: p.Gln166Pro; replaces glutamine 166 with proline.
Molecular consequence: missense variant. On other transcripts: 5 prime UTR variant (1).
Genome position (GRCh38, 1-based): chr9:127,826,536, T>G on the plus strand (A>C on the coding strand, the complement: ENG is on the minus strand). VCF-style: chr9-127826536-T-G. GRCh37 (hg19) VCF-style: chr9-130588815-T-G.
Other names: p.Gln166Pro; c.-50A>C (NM_001278138.2); c.497A>C, p.Gln166Pro (NM_001406715.1, NM_000118.4); short protein forms Q166P.
Identifiers: ClinVar variation 834356 (VCV000834356.6), dbSNP rs994887264, ClinGen allele CA374984145.